The following is an entry in ClinVar:

ClinVar aggregate classification (germline): Uncertain significance (1 of 4 stars; one submission).

Conditions:
Malignant hyperthermia, susceptibility to, 5 (MHS5). Also called: CACNA1S-Related Malignant Hyperthermia Susceptibility. Identifiers: Orphanet 423, MedGen C1866077, MONDO:0011163, OMIM 601887.

Submission:

All of Us Research Program, National Institutes of Health
Classification: Uncertain significance for Malignant hyperthermia, susceptibility to, 5. Last evaluated: 2024-07-20. Review status: criteria provided, single submitter. Criteria: ACMG Guidelines, 2015. Collection method: clinical testing. Allele origin: germline. Inheritance: Autosomal dominant inheritance. Observed: 1 variant allele, 1 heterozygote.
Comment: This missense variant replaces phenylalanine with leucine at codon 835 of the CACNA1S protein. Computational prediction is inconclusive regarding the impact of this variant on protein structure and function (internally defined REVEL score threshold 0.5 < inconclusive < 0.7, PMID: 27666373). To our knowledge, functional studies have not been reported for this variant. This variant has not been reported in individuals affected with CACNA1S-related disorders in the literature. This variant has not been identified in the general population by the Genome Aggregation Database (gnomAD). The available evidence is insufficient to determine the role of this variant in disease conclusively. Therefore, this variant is classified as a Variant of Uncertain Significance.

This study involves interpretation of variants in research participants for the purpose of population health screening. Participant phenotype was not available at the time of variant classification. Additional details can be found in publication PMID: 35346344, PMCID: PMC8962531

NM_000069.3(CACNA1S):c.2505T>G (p.Phe835Leu)

Gene: CACNA1S (calcium voltage-gated channel subunit alpha1 S; minus strand). Cytogenetic location: 1q32.1.
Variant type: single nucleotide variant.
Coding change: c.2505T>G on transcript NM_000069.3 (MANE Select); coding-DNA position 2505, T replaced by G.
Protein change: p.Phe835Leu; replaces phenylalanine 835 with leucine.
Molecular consequence: missense variant.
Genome position (GRCh38, 1-based): chr1:201,069,182, A>C on the plus strand (T>G on the coding strand, the complement: CACNA1S is on the minus strand). VCF-style: chr1-201069182-A-C. GRCh37 (hg19) VCF-style: chr1-201038310-A-C.
Other names: short protein forms F835L.
Identifiers: ClinVar variation 3386346 (VCV003386346.1).
Genomic context (GRCh38, chr1:201,069,182, plus strand): 5'-ACAGCCTTCACTCACCTTGAGGACAATCTCCACAGTGAAGACAGAGGTGAACCCGATGTC[A>C]AAGTGTTTAAGGATCTGGGGACAGGGCAGGGGCGGGAGCAGCCAGTGAGAGGAGGAGGGG-3'
Protein context (NP_000060.2, residues 825-845): DSMRNQILKH[Phe835Leu]DIGFTSVFTV